The following is an entry in ClinVar:

ClinVar aggregate classification (germline): Benign/Likely benign. Review status: criteria provided, multiple submitters, no conflicts (2 of 4 stars). 3 submissions from 3 submitters: Benign (1); Likely benign (2). Last evaluated 2026-04-20.

Conditions:
DICER1-related tumor predisposition. Also called: DICER1-related pleuropulmonary blastoma cancer predisposition syndrome; DICER1 syndrome. Identifiers: Orphanet 284343, MedGen C3839822, MONDO:0100216.
Hereditary cancer-predisposing syndrome. Also called: Hereditary neoplastic syndrome; Neoplastic Syndromes, Hereditary; Hereditary Cancer Syndrome; Tumor predisposition. Identifiers: Orphanet 140162, MedGen C0027672, MeSH D009386, MONDO:0015356.

Submissions (3):

Myriad Genetics, Inc.
Classification: Benign for DICER1-related tumor predisposition. Last evaluated: 2026-04-20. Review status: criteria provided, single submitter. Criteria: Myriad Autosomal Dominant, Autosomal Recessive and X-Linked Classification Criteria (2023). Collection method: clinical testing. Allele origin: unknown.
Comment: This variant is considered benign. This variant is a silent/synonymous amino acid change and it is not expected to impact splicing.

Labcorp Genetics (formerly Invitae), Labcorp
Classification: Likely benign for DICER1-related tumor predisposition. Last evaluated: 2025-09-20. Review status: criteria provided, single submitter. Criteria: Invitae Variant Classification Sherloc (09022015). Collection method: clinical testing. Allele origin: germline.

Ambry Genetics
Classification: Likely benign for Hereditary cancer-predisposing syndrome. Last evaluated: 2021-02-02. Review status: criteria provided, single submitter. Criteria: Ambry Variant Classification Scheme 2023. Collection method: clinical testing. Allele origin: germline.

NM_177438.3(DICER1):c.4695C>G (p.Ala1565=)

Gene: DICER1 (dicer 1, ribonuclease III; minus strand). Cytogenetic location: 14q32.13.
Variant type: single nucleotide variant.
Coding change: c.4695C>G on transcript NM_177438.3 (MANE Select); coding-DNA position 4695, C replaced by G.
Protein change: p.Ala1565=; no amino-acid change (alanine 1565 retained).
Molecular consequence: synonymous variant.
Genome position (GRCh38, 1-based): chr14:95,096,225, G>C on the plus strand (C>G on the coding strand, the complement: DICER1 is on the minus strand). VCF-style: chr14-95096225-G-C. GRCh37 (hg19) VCF-style: chr14-95562562-G-C.
Other names: c.4695C>G, p.Ala1565= (NM_001195573.1, NM_001271282.3, NM_001291628.2 and 1 more transcripts).
Identifiers: ClinVar variation 477213 (VCV000477213.16), dbSNP rs780868309, ClinGen allele CA487843744.
Genomic context (GRCh38, chr14:95,096,225, plus strand): 5'-TGAACAGAGGAAAAGCTGAGCAGCCCTCTCCCCACAGCTGGTTAAATAGCAGCCCAGCAG[G>C]GCTTCCACACAGTCCGCTATGCTTTTGTCAGCAATACACTGCTCAGTGTGCAAGTCGTAA-3'
Protein context (NP_803187.1, residues 1555-1575): ADKSIADCVE[Ala1565=]LLGCYLTSCG